The following is an entry in ClinVar:

ClinVar aggregate classification (germline): Uncertain significance (1 of 4 stars; one submission).

Conditions:
HABP2-related disorder. Also called: HABP2-related condition.

Allele frequency attached by ClinVar (database versions not stated): ExAC 0.00002.
gnomAD v4.1: 23 of 1,612,028 alleles (0.0014%); highest among the groups gnomAD compares: Admixed American, 0.017%; no homozygotes.

Submission:

PreventionGenetics, part of Exact Sciences
Classification: Uncertain significance for HABP2-related condition. Last evaluated: 2023-05-10. Review status: criteria provided, single submitter. Criteria: ACMG Guidelines, 2015. Collection method: clinical testing. Allele origin: germline.
Comment: The HABP2 c.259G>A variant is predicted to result in the amino acid substitution p.Asp87Asn. To our knowledge, this variant has not been reported in the literature. This variant is reported in 0.0056% of alleles in individuals of Latino descent in gnomAD. At this time, the clinical significance of this variant is uncertain due to the absence of conclusive functional and genetic evidence.

NM_004132.5(HABP2):c.259G>A (p.Asp87Asn)

Gene: HABP2 (hyaluronan binding protein 2; plus strand). Cytogenetic location: 10q25.3.
Variant type: single nucleotide variant.
Coding change: c.259G>A on transcript NM_004132.5 (MANE Select); coding-DNA position 259, G replaced by A.
Protein change: p.Asp87Asn; replaces aspartic acid 87 with asparagine.
Molecular consequence: missense variant.
Genome position (GRCh38, 1-based): chr10:113,575,932, G>A. VCF-style: chr10-113575932-G-A. GRCh37 (hg19) VCF-style: chr10-115335691-G-A.
Other names: c.181G>A, p.Asp61Asn (NM_001177660.3); short protein forms D61N, D87N.
Identifiers: ClinVar variation 2636077 (VCV002636077.1), dbSNP rs772097319, ClinGen allele CA5693538.